The following is an entry in ClinVar:

NM_001267550.2(TTN):c.46150C>G (p.Leu15384Val)

Gene: TTN (titin; minus strand). Cytogenetic location: 2q31.2.
Variant type: single nucleotide variant.
Coding change: c.46150C>G on transcript NM_001267550.2 (MANE Select); coding-DNA position 46150, C replaced by G.
Protein change: p.Leu15384Val; replaces leucine 15384 with valine.
Molecular consequence: missense variant.
Genome position (GRCh38, 1-based): chr2:178,620,371, G>C on the plus strand (C>G on the coding strand, the complement: TTN is on the minus strand). VCF-style: chr2-178620371-G-C. GRCh37 (hg19) VCF-style: chr2-179485098-G-C.
Other names: c.38446C>G, p.Leu12816Val (NM_133378.4); c.41227C>G, p.Leu13743Val (NM_001256850.1); c.18955C>G, p.Leu6319Val (NM_003319.4); c.19330C>G, p.Leu6444Val (NM_133432.3); c.19531C>G, p.Leu6511Val (NM_133437.4); short protein forms L12816V, L15384V, L6444V, L6319V, L6511V, L13743V.
Identifiers: ClinVar variation 179721 (VCV000179721.6), dbSNP rs727505078, ClinGen allele CA184991.
Genomic context (GRCh38, chr2:178,620,371, plus strand): 5'-CAGTGACTGTCTGATCTTCCAAGTGTTCCACAAATTCTGTCGGGGCTTCTATGATGAGAA[G>C]CTCAGCAACAGATTTATCTTGTCCAGCAGTGACAATGTATTCACCTTCATCTGGGAAGCC-3'
Protein context (NP_001254479.2, residues 15374-15394): TAGQDKSVAE[Leu15384Val]LIIEAPTEFV

ClinVar aggregate classification (germline): Uncertain significance. Review status: criteria provided, multiple submitters, no conflicts (2 of 4 stars). 2 submissions from 2 submitters: Uncertain significance (2). Last evaluated 2025-02-27.

Conditions:
TTN-related disorder. Also called: TTN-related condition; TTN-related disease; TTN-related disorders.

Allele frequency attached by ClinVar (database versions not stated): TOPMed below 0.00001.
gnomAD v4.1: 15 of 1,610,832 alleles (0.00093%); highest among the groups gnomAD compares: Admixed American, 0.0017%; no homozygotes.

Submissions (2):

PreventionGenetics, part of Exact Sciences
Classification: Uncertain significance for TTN-related condition. Last evaluated: 2025-02-27. Review status: criteria provided, single submitter. Criteria: ACMG Guidelines, 2015. Collection method: clinical testing. Allele origin: germline.
Comment: The TTN c.46150C>G variant is predicted to result in the amino acid substitution p.Leu15384Val. To our knowledge, this variant has not been reported in the literature or in a large population database (gnomAD), indicating this variant is rare. At this time, the clinical significance of this variant is uncertain due to the absence of conclusive functional and genetic evidence.

Laboratory for Molecular Medicine, Mass General Brigham Personalized Medicine
Classification: Uncertain significance. Last evaluated: 2015-08-07. Review status: criteria provided, single submitter. Criteria: LMM Criteria. Collection method: clinical testing. Allele origin: germline. Observed: 2 variant alleles.
Comment: The p.Leu12816Val variant in TTN has been identified by our laboratory in 2 Cauc asian adults with DCM and was absent from large population studies. Computationa l prediction tools and conservation analysis suggest that this variant may impac t the protein, though this information is not predictive enough to determine pat hogenicity. In summary, the clinical significance of the p.Leu12816Val variant i s uncertain.